The following is an entry in ClinVar:

NM_032520.5(GNPTG):c.802A>C (p.Ile268Leu)

Gene: GNPTG (N-acetylglucosamine-1-phosphate transferase subunit gamma; plus strand). Cytogenetic location: 16p13.3.
Variant type: single nucleotide variant.
Coding change: c.802A>C on transcript NM_032520.5 (MANE Select); coding-DNA position 802, A replaced by C.
Protein change: p.Ile268Leu; replaces isoleucine 268 with leucine.
Molecular consequence: missense variant.
Genome position (GRCh38, 1-based): chr16:1,362,885, A>C. VCF-style: chr16-1362885-A-C. GRCh37 (hg19) VCF-style: chr16-1412886-A-C.
Other names: short protein forms I268L.
Identifiers: ClinVar variation 966073 (VCV000966073.7), dbSNP rs759796840, ClinGen allele CA7807959.

ClinVar aggregate classification (germline): Uncertain significance. Review status: criteria provided, single submitter (1 of 4 stars). 2 submissions from 2 submitters: Uncertain significance (1). 1 of the submissions does not count toward it. Last evaluated 2022-03-09.

Conditions:
GNPTG-mucolipidosis. Also called: MUCOLIPIDOSIS III, COMPLEMENTATION GROUP C; MUCOLIPIDOSIS III, IRANIAN VARIANT FORM; MUCOLIPIDOSIS III, VARIANT FORM; ML III GAMMA; ML IIIC; Mucolipidosis type III gamma. Identifiers: Orphanet 423470, Orphanet 577, MedGen C1854896, MONDO:0009652, OMIM 252605.

Allele frequency attached by ClinVar (database versions not stated): gnomAD 0.00001 and below 0.00001; gnomAD exomes below 0.00001; ExAC 0.00001.
gnomAD v4.1: 3 of 1,613,580 alleles (0.00019%); highest among the groups gnomAD compares: South Asian, 0.0033%; no homozygotes.

Submissions (2):

Labcorp Genetics (formerly Invitae), Labcorp
Classification: Uncertain significance. Last evaluated: 2022-03-09. Review status: criteria provided, single submitter. Criteria: Invitae Variant Classification Sherloc (09022015). Collection method: clinical testing. Allele origin: germline.
Comment: This sequence change replaces isoleucine, which is neutral and non-polar, with leucine, which is neutral and non-polar, at codon 268 of the GNPTG protein (p.Ile268Leu). This variant is present in population databases (rs759796840, gnomAD 0.003%). This variant has not been reported in the literature in individuals affected with GNPTG-related conditions. ClinVar contains an entry for this variant (Variation ID: 966073). Algorithms developed to predict the effect of missense changes on protein structure and function output the following: SIFT: "Tolerated"; PolyPhen-2: "Benign"; Align-GVGD: "Class C0". The leucine amino acid residue is found in multiple mammalian species, which suggests that this missense change does not adversely affect protein function. In summary, the available evidence is currently insufficient to determine the role of this variant in disease. Therefore, it has been classified as a Variant of Uncertain Significance.

Natera, Inc.
Classification: Uncertain significance for Mucolipidosis III gamma. Last evaluated: 2020-01-17. Review status: no assertion criteria provided. Collection method: clinical testing. Allele origin: germline. Not counted in ClinVar's aggregate classification.